The following is an entry in ClinVar:

NM_022455.5(NSD1):c.2683A>C (p.Ser895Arg)

Gene: NSD1 (nuclear receptor binding SET domain protein 1; plus strand). Cytogenetic location: 5q35.3.
Variant type: single nucleotide variant.
Coding change: c.2683A>C on transcript NM_022455.5 (MANE Select); coding-DNA position 2683, A replaced by C.
Protein change: p.Ser895Arg; replaces serine 895 with arginine.
Molecular consequence: missense variant.
Genome position (GRCh38, 1-based): chr5:177,211,082, A>C. VCF-style: chr5-177211082-A-C. GRCh37 (hg19) VCF-style: chr5-176638083-A-C.
Other names: c.1810A>C, p.Ser604Arg (NM_001365684.2, NM_001409306.1, NM_001409307.1 and 3 more transcripts); c.2683A>C, p.Ser895Arg (NM_001409301.1, NM_001409302.1, NM_001409303.1); c.2263A>C, p.Ser755Arg (NM_001409304.1); c.1930A>C, p.Ser644Arg (NM_001409305.1); short protein forms S604R, S644R, S755R, S895R.
Identifiers: ClinVar variation 2577154 (VCV002577154.1), dbSNP rs2480457160, ClinGen allele CA362319619.
Genomic context (GRCh38, chr5:177,211,082, plus strand): 5'-GATGTCAGTGACTCTGGAACATCAAAGCCATCAAAACCATTACTTTTCTCTTCTGCTTCT[A>C]GTCAGAATCACATACCTATTGAACCAGACTACAAATTCAGTACATTGCTAATGATGTTGA-3'
Protein context (NP_071900.2, residues 885-905): SKPLLFSSAS[Ser895Arg]QNHIPIEPDY

ClinVar aggregate classification (germline): Uncertain significance (1 of 4 stars; one submission).

Submission:

Women's Health and Genetics/Laboratory Corporation of America, LabCorp
Classification: Uncertain significance. Last evaluated: 2023-07-26. Review status: criteria provided, single submitter. Criteria: LabCorp Variant Classification Summary - May 2015. Collection method: clinical testing. Allele origin: germline.
Comment: Variant summary: NSD1 c.2683A>C (p.Ser895Arg) results in a non-conservative amino acid change in the encoded protein sequence. Four of five in-silico tools predict a benign effect of the variant on protein function. The variant was absent in 251440 control chromosomes (gnomAD). The available data on variant occurrences in the general population are insufficient to allow any conclusion about variant significance. To our knowledge, no occurrence of c.2683A>C in individuals affected with Sotos Syndrome and no experimental evidence demonstrating its impact on protein function have been reported. No submitters have cited clinical-significance assessments for this variant to ClinVar after 2014. Based on the evidence outlined above, the variant was classified as uncertain significance.